The following is an entry in ClinVar:

NM_007098.4(CLTCL1):c.3165C>T (p.Ile1055=)

Gene: CLTCL1 (clathrin heavy chain like 1; minus strand). Cytogenetic location: 22q11.21.
Variant type: single nucleotide variant.
Coding change: c.3165C>T on transcript NM_007098.4 (MANE Select); coding-DNA position 3165, C replaced by T.
Protein change: p.Ile1055=; no amino-acid change (isoleucine 1055 retained).
Molecular consequence: synonymous variant.
Genome position (GRCh38, 1-based): chr22:19,210,410, G>A on the plus strand (C>T on the coding strand, the complement: CLTCL1 is on the minus strand). VCF-style: chr22-19210410-G-A. GRCh37 (hg19) VCF-style: chr22-19197920-G-A.
Other names: c.3165C>T, p.Ile1055= (NM_001835.4).
Identifiers: ClinVar variation 2652860 (VCV002652860.24), dbSNP rs377403617, ClinGen allele CA10098174.

ClinVar aggregate classification (germline): Likely benign (1 of 4 stars; one submission).

Allele frequency attached by ClinVar (database versions not stated): gnomAD 0.00019; ExAC 0.00020; TOPMed 0.00023; ESP Exome Variant Server 0.00032; gnomAD exomes 0.00060.
gnomAD v4.1: 911 of 1,613,914 alleles (0.056%); highest among the groups gnomAD compares: Non-Finnish European, 0.072%; 1 homozygote.

Submission:

CeGaT Center for Human Genetics Tuebingen
Classification: Likely benign. Last evaluated: 2023-10-01. Review status: criteria provided, single submitter. Criteria: CeGaT Center For Human Genetics Tuebingen Variant Classification Criteria Version 2. Collection method: clinical testing. Allele origin: germline. Affected: yes. Observed: 1 variant allele.
Comment: CLTCL1: BP4, BP7